The following is an entry in ClinVar:

NM_001378183.1(PIEZO2):c.5671G>T (p.Glu1891Ter)

Gene: PIEZO2 (piezo type mechanosensitive ion channel component 2; minus strand). Cytogenetic location: 18p11.22.
Variant type: single nucleotide variant.
Coding change: c.5671G>T on transcript NM_001378183.1 (MANE Select); coding-DNA position 5671, G replaced by T.
Protein change: p.Glu1891Ter; replaces glutamic acid 1891 with a stop codon.
Molecular consequence: nonsense.
Genome position (GRCh38, 1-based): chr18:10,705,664, C>A on the plus strand (G>T on the coding strand, the complement: PIEZO2 is on the minus strand). VCF-style: chr18-10705664-C-A. GRCh37 (hg19) VCF-style: chr18-10705662-C-A.
Other names: c.5407G>T, p.Glu1803Ter (NM_001410871.1); c.5332G>T, p.Glu1778Ter (NM_022068.4); short protein forms E1778*, E1803*, E1891*.
Identifiers: ClinVar variation 3902258 (VCV003902258.1).

ClinVar aggregate classification (germline): Pathogenic (1 of 4 stars; one submission).

Conditions:
Arthrogryposis, distal, with impaired proprioception and touch (DAIPT). Identifiers: MedGen C4310692, MONDO:0014941, OMIM 617146.

gnomAD v4.1: 4 of 1,537,118 alleles (0.00026%); highest among the groups gnomAD compares: Non-Finnish European, 0.00035%; no homozygotes.

Submission:

Women's Health and Genetics/Laboratory Corporation of America, LabCorp
Classification: Pathogenic for Arthrogryposis, distal, with impaired proprioception and touch. Last evaluated: 2025-05-13. Review status: criteria provided, single submitter. Criteria: LabCorp Variant Classification Summary - May 2015. Collection method: clinical testing. Allele origin: germline.
Comment: Variant summary: PIEZO2 c.5332G>T (p.Glu1778X) results in a premature termination codon, predicted to cause a truncation of the encoded protein or absence of the protein due to nonsense mediated decay, which are commonly known mechanisms for disease. The variant allele was found at a frequency of 1.4e-05 in 141502 control chromosomes. To our knowledge, no occurrence of c.5332G>T in individuals affected with Arthrogryposis, distal, with impaired proprioception and touch and no experimental evidence demonstrating its impact on protein function have been reported. No submitters have cited clinical-significance assessments for this variant to ClinVar. Based on the evidence outlined above, the variant was classified as pathogenic.